The following is an entry in ClinVar:

NM_178170.3(NEK8):c.9G>A (p.Lys3=)

Gene: NEK8 (NIMA related kinase 8; plus strand). Cytogenetic location: 17q11.2.
Variant type: single nucleotide variant.
Coding change: c.9G>A on transcript NM_178170.3 (MANE Select); coding-DNA position 9, G replaced by A.
Protein change: p.Lys3=; no amino-acid change (lysine 3 retained).
Molecular consequence: synonymous variant.
Genome position (GRCh38, 1-based): chr17:28,728,822, G>A. VCF-style: chr17-28728822-G-A. GRCh37 (hg19) VCF-style: chr17-27055840-G-A.
Identifiers: ClinVar variation 414268 (VCV000414268.11), dbSNP rs759474870, ClinGen allele CA8466995.

ClinVar aggregate classification (germline): Likely benign. Review status: criteria provided, multiple submitters, no conflicts (2 of 4 stars). 3 submissions from 3 submitters: Likely benign (2). 1 of the submissions does not count toward it. Last evaluated 2024-11-29.

Conditions:
NEK8-related disorder. Also called: NEK8-related condition.
Nephronophthisis 9 (NPHP9). Identifiers: Orphanet 655, MedGen C3151188, MONDO:0013444, OMIM 613824.
Polycystic kidney disease 8. Identifiers: MedGen C5935640, MONDO:0971178, OMIM 620903.
Renal-hepatic-pancreatic dysplasia 2 (RHPD2). Identifiers: MedGen C3809434, MONDO:0014174, OMIM 615415.

Allele frequency attached by ClinVar (database versions not stated): gnomAD 0.00003 and 0.00005; ExAC 0.00005; TOPMed 0.00005; gnomAD exomes 0.00006.

Submissions (3):

Labcorp Genetics (formerly Invitae), Labcorp
Classification: Likely benign for Nephronophthisis 9. Last evaluated: 2024-11-29. Review status: criteria provided, single submitter. Criteria: Invitae Variant Classification Sherloc (09022015). Collection method: clinical testing. Allele origin: germline.

Fulgent Genetics
Classification: Likely benign for Nephronophthisis 9; Renal-hepatic-pancreatic dysplasia 2; Polycystic kidney disease 8. Last evaluated: 2024-06-24. Review status: criteria provided, single submitter. Criteria: ACMG Guidelines, 2015. Collection method: clinical testing. Allele origin: germline.

PreventionGenetics, part of Exact Sciences
Classification: Likely benign for NEK8-related condition. Last evaluated: 2019-04-24. Review status: no assertion criteria provided. Collection method: clinical testing. Allele origin: germline. Not counted in ClinVar's aggregate classification.
Comment: This variant is classified as likely benign based on ACMG/AMP sequence variant interpretation guidelines (Richards et al. 2015 PMID: 25741868, with internal and published modifications).